The following is an entry in ClinVar:

ClinVar aggregate classification (germline): Uncertain significance (1 of 4 stars; one submission).

Conditions:
SEMA3F-related disorder. Also called: SEMA3F-related condition.

gnomAD v4.1: 5 of 1,613,748 alleles (0.00031%); highest among the groups gnomAD compares: African/African-American, 0.0013%; no homozygotes.

Submission:

PreventionGenetics, part of Exact Sciences
Classification: Uncertain significance for SEMA3F-related condition. Last evaluated: 2026-03-04. Review status: criteria provided, single submitter. Criteria: ACMG Guidelines, 2015. Collection method: clinical testing. Allele origin: germline.
Comment: The SEMA3F c.1774G>A variant is predicted to result in the amino acid substitution p.Gly592Arg. To our knowledge, this variant has not been reported in the literature. This variant is reported in 0.012% of alleles in individuals of African descent in gnomAD. At this time, the clinical significance of this variant is uncertain due to the absence of conclusive functional and genetic evidence.

NM_004186.5(SEMA3F):c.1774G>A (p.Gly592Arg)

Gene: SEMA3F (semaphorin 3F; plus strand). Cytogenetic location: 3p21.31.
Variant type: single nucleotide variant.
Coding change: c.1774G>A on transcript NM_004186.5 (MANE Select); coding-DNA position 1774, G replaced by A.
Protein change: p.Gly592Arg; replaces glycine 592 with arginine.
Molecular consequence: missense variant.
Genome position (GRCh38, 1-based): chr3:50,186,309, G>A. VCF-style: chr3-50186309-G-A. GRCh37 (hg19) VCF-style: chr3-50223742-G-A.
Other names: c.1477G>A, p.Gly493Arg (NM_001318798.2); c.1681G>A, p.Gly561Arg (NM_001318800.2); short protein forms G592R, G493R, G561R.
Identifiers: ClinVar variation 4990912 (VCV004990912.1).